The following is an entry in ClinVar:

ClinVar aggregate classification (germline): Uncertain significance. Review status: criteria provided, multiple submitters, no conflicts (2 of 4 stars). 3 submissions from 3 submitters: Uncertain significance (3). Last evaluated 2025-01-15.

Conditions:
Cardiovascular phenotype. Identifiers: MedGen CN230736.
Alstrom syndrome (ALMS). Identifiers: Orphanet 64, MedGen C0268425, MONDO:0008763, OMIM 203800.

Allele frequency attached by ClinVar (database versions not stated): gnomAD exomes below 0.00001 and 0.00001; TOPMed below 0.00001.
gnomAD v4.1: 15 of 1,614,048 alleles (0.00093%); highest among the groups gnomAD compares: Non-Finnish European, 0.0013%; no homozygotes.

Submissions (3):

GeneDx
Classification: Uncertain significance. Last evaluated: 2025-01-15. Review status: criteria provided, single submitter. Criteria: GeneDx Variant Classification Process June 2021. Collection method: clinical testing. Allele origin: germline. Affected: yes.
Comment: Not observed at significant frequency in large population cohorts (gnomAD); In silico analysis indicates that this missense variant does not alter protein structure/function; Has not been previously published as pathogenic or benign to our knowledge

Ambry Genetics
Classification: Uncertain significance for Cardiovascular phenotype. Last evaluated: 2023-06-29. Review status: criteria provided, single submitter. Criteria: Ambry Variant Classification Scheme 2023. Collection method: clinical testing. Allele origin: germline.
Comment: The p.N2946D variant (also known as c.8836A>G), located in coding exon 10 of the ALMS1 gene, results from an A to G substitution at nucleotide position 8836. The asparagine at codon 2946 is replaced by aspartic acid, an amino acid with highly similar properties. This amino acid position is not well conserved in available vertebrate species. In addition, this alteration is predicted to be tolerated by in silico analysis. Since supporting evidence is limited at this time, the clinical significance of this alteration remains unclear.

Labcorp Genetics (formerly Invitae), Labcorp
Classification: Uncertain significance for Alstrom syndrome. Last evaluated: 2021-10-18. Review status: criteria provided, single submitter. Criteria: Invitae Variant Classification Sherloc (09022015). Collection method: clinical testing. Allele origin: germline.
Comment: This sequence change replaces asparagine with aspartic acid at codon 2946 of the ALMS1 protein (p.Asn2946Asp). The asparagine residue is moderately conserved and there is a small physicochemical difference between asparagine and aspartic acid. This variant is not present in population databases (ExAC no frequency). This variant has not been reported in the literature in individuals affected with ALMS1-related conditions. Experimental studies and prediction algorithms are not available or were not evaluated, and the functional significance of this variant is currently unknown. In summary, the available evidence is currently insufficient to determine the role of this variant in disease. Therefore, it has been classified as a Variant of Uncertain Significance.

NM_001378454.1(ALMS1):c.8833A>G (p.Asn2945Asp)

Gene: ALMS1 (ALMS1 centrosome and basal body associated protein; plus strand). Cytogenetic location: 2p13.1.
Variant type: single nucleotide variant.
Coding change: c.8833A>G on transcript NM_001378454.1 (MANE Select); coding-DNA position 8833, A replaced by G.
Protein change: p.Asn2945Asp; replaces asparagine 2945 with aspartic acid.
Molecular consequence: missense variant.
Genome position (GRCh38, 1-based): chr2:73,490,792, A>G. VCF-style: chr2-73490792-A-G. GRCh37 (hg19) VCF-style: chr2-73717919-A-G.
Other names: c.8836A>G, p.Asn2946Asp (NM_015120.4); short protein forms N2946D, N2945D.
Identifiers: ClinVar variation 1359712 (VCV001359712.5), dbSNP rs1330910084, ClinGen allele CA347270799.
Genomic context (GRCh38, chr2:73,490,792, plus strand): 5'-GAACAACGAGAACTCTTTGAACAGTGCAAAGCCCCATATGTAGATCATCAAATGAGAGAA[A>G]ACCATTCTCCCCTTCCTCAAGGTCAGGATTCTATAGCTTCAGACCTTCCGTCTCCCATTT-3'
Protein context (NP_001365383.1, residues 2935-2955): APYVDHQMRE[Asn2945Asp]HSPLPQGQDS